The following is an entry in ClinVar:

NM_000268.4(NF2):c.1052G>A (p.Arg351His)

Gene: NF2 (NF2, moesin-ezrin-radixin like (MERLIN) tumor suppressor; plus strand). Cytogenetic location: 22q12.2.
Variant type: single nucleotide variant.
Coding change: c.1052G>A on transcript NM_000268.4 (MANE Select); coding-DNA position 1052, G replaced by A.
Protein change: p.Arg351His; replaces arginine 351 with histidine.
Molecular consequence: missense variant. On other transcripts: non-coding transcript variant (1), intron variant (1).
Genome position (GRCh38, 1-based): chr22:29,671,878, G>A. VCF-style: chr22-29671878-G-A. GRCh37 (hg19) VCF-style: chr22-30067867-G-A.
Other names: c.1052G>A, p.Arg351His (NM_016418.5, NM_181825.3, NM_181832.3); c.926G>A, p.Arg309His (NM_181828.3); c.929G>A, p.Arg310His (NM_181829.3); c.803G>A, p.Arg268His (NM_181830.3, NM_181831.3); c.448-22874G>A (NM_181833.3); short protein forms R351H, R309H, R310H, R268H.
Identifiers: ClinVar variation 412205 (VCV000412205.17), dbSNP rs771675702, ClinGen allele CA036706.

ClinVar aggregate classification (germline): Conflicting classifications of pathogenicity. Review status: criteria provided, conflicting classifications (1 of 4 stars). 5 submissions from 5 submitters: Uncertain significance (3); Benign (1); Likely benign (1). Last evaluated 2026-01-19.

Conditions:
Hereditary cancer-predisposing syndrome. Also called: Tumor predisposition; Hereditary Cancer Syndrome; Hereditary neoplastic syndrome; Neoplastic Syndromes, Hereditary. Identifiers: Orphanet 140162, MedGen C0027672, MeSH D009386, MONDO:0015356.
Neurofibromatosis, type 2 (SWNV). Also called: SCHWANNOMATOSIS, VESTIBULAR; NF2-Related Schwannomatosis; BILATERAL ACOUSTIC NEUROFIBROMATOSIS. Identifiers: Orphanet 637, MedGen C0027832, MONDO:0007039, OMIM 101000. Disease mechanism: loss of function.

Allele frequency attached by ClinVar (database versions not stated): gnomAD 0.00002; gnomAD exomes 0.00002 and 0.00004; TOPMed 0.00002; ExAC 0.00008.
gnomAD v4.1: 41 of 1,614,024 alleles (0.0025%); highest among the groups gnomAD compares: Non-Finnish European, 0.0031%; no homozygotes.

Submissions (5):

Labcorp Genetics (formerly Invitae), Labcorp
Classification: Likely benign for Neurofibromatosis, type 2. Last evaluated: 2026-01-19. Review status: criteria provided, single submitter. Criteria: Invitae Variant Classification Sherloc (09022015). Collection method: clinical testing. Allele origin: germline.

Color Diagnostics, LLC DBA Color Health
Classification: Uncertain significance for Neurofibromatosis, type 2. Last evaluated: 2024-07-03. Review status: criteria provided, single submitter. Criteria: ACMG Guidelines, 2015. Collection method: clinical testing. Allele origin: germline.
Comment: This missense variant replaces arginine with histidine at codon 351 of the NF2 protein. Computational prediction suggests that this variant may not impact protein structure and function. To our knowledge, functional studies have not been reported for this variant. This variant has been reported in an individual affected with sporadic unilateral vestibular schwannoma, this individual also carried a pathogenic variant in the NF2 gene that could explain the observed phenotype (PMID: 7951231, 17431981). This variant has been identified in 11/282856 chromosomes in the general population by the Genome Aggregation Database (gnomAD). The available evidence is insufficient to determine the role of this variant in disease conclusively. Therefore, this variant is classified as a Variant of Uncertain Significance.

GeneDx
Classification: Uncertain significance. Last evaluated: 2022-12-14. Review status: criteria provided, single submitter. Criteria: GeneDx Variant Classification Process June 2021. Collection method: clinical testing. Allele origin: germline. Affected: yes.
Comment: In silico analysis supports that this missense variant has a deleterious effect on protein structure/function; Has not been previously published as pathogenic or benign to our knowledge; This variant is associated with the following publications: (PMID: 33106857, 35332608, 17134719, 16324214, 22482125)

Genome-Nilou Lab
Classification: Uncertain significance for Neurofibromatosis, type 2. Last evaluated: 2021-11-07. Review status: criteria provided, single submitter. Criteria: ACMG Guidelines, 2015. Collection method: clinical testing. Allele origin: germline. Affected: no.

Ambry Genetics
Classification: Benign for Hereditary cancer-predisposing syndrome. Last evaluated: 2021-06-16. Review status: criteria provided, single submitter. Criteria: Ambry Variant Classification Scheme 2023. Collection method: clinical testing. Allele origin: germline.

Literature cited by the submitters: PubMed 7951231 (cited by Color Diagnostics, LLC DBA Color Health and Ambry Genetics); PubMed 17431981 (cited by Color Diagnostics, LLC DBA Color Health); PubMed 16983642 (cited by Ambry Genetics).